The following is an entry in ClinVar:

NM_004006.3(DMD):c.10406_10407insAA (p.His3469fs)

Gene: DMD (dystrophin; minus strand). Cytogenetic location: Xp21.2.
Variant type: Insertion.
Coding change: c.10406_10407insAA on transcript NM_004006.3 (MANE Select); coding-DNA positions 10406 to 10407, AA inserted.
Protein change: p.His3469fs; shifts the reading frame from histidine 3469.
Molecular consequence: frameshift variant. On other transcripts: intron variant (2).
Genome position: GRCh38 VCF-style: chrX-31169589-A-ATT. GRCh37 (hg19) VCF-style: chrX-31187706-A-ATT.
Other names: c.10382_10383insAA, p.His3461fs (NM_000109.4); c.10394_10395insAA, p.His3465fs (NM_004009.3); c.10037_10038insAA, p.His3346fs (NM_004010.3); c.6383_6384insAA, p.His2128fs (NM_004011.4); c.6374_6375insAA, p.His2125fs (NM_004012.4); c.3026_3027insAA, p.His1009fs (NM_004013.3, NM_004021.3); c.2219_2220insAA, p.His740fs (NM_004014.3); c.1202_1203insAA, p.His401fs (NM_004015.3, NM_004016.3); and 3 more; short protein forms H3461fs, H401fs, H1009fs, H2125fs, H3465fs, H388fs, H2128fs, H3469fs.
Identifiers: ClinVar variation 409900 (VCV000409900.9), dbSNP rs1060502630, ClinGen allele CA16616652.
Genomic context (GRCh38, chrX:31,169,589, plus strand): 5'-ACGAGGCTGGCTCAGGGGGGAGTCCTGGTTCAAACTTTGGCAGTAATGCTGGATTAACAA[A>ATT]TGTTCATCATCTCTGGAAAATAAAATCAAAGGTTTTGGTTTTTTCCCCCCCTTATTTTGC-3'

ClinVar aggregate classification (germline): Pathogenic (1 of 4 stars; one submission).

Conditions:
Duchenne muscular dystrophy (DMD). Also called: MUSCULAR DYSTROPHY, PSEUDOHYPERTROPHIC PROGRESSIVE, DUCHENNE TYPE; Duchenne Muscular Dystrophy (DMD). Identifiers: Orphanet 98896, MedGen C0013264, MONDO:0010679, OMIM 310200.

Submission:

Labcorp Genetics (formerly Invitae), Labcorp
Classification: Pathogenic for Duchenne muscular dystrophy. Last evaluated: 2024-02-23. Review status: criteria provided, single submitter. Criteria: Invitae Variant Classification Sherloc (09022015). Collection method: clinical testing. Allele origin: germline.
Comment: This sequence change creates a premature translational stop signal (p.His3469Glnfs*4) in the DMD gene. It is expected to result in an absent or disrupted protein product. Loss-of-function variants in DMD are known to be pathogenic (PMID: 16770791, 25007885). This variant is not present in population databases (gnomAD no frequency). This premature translational stop signal has been observed in individual(s) with Becker muscular dystrophy (PMID: 19937601). ClinVar contains an entry for this variant (Variation ID: 409900). For these reasons, this variant has been classified as Pathogenic.

Literature cited by the submitters: PubMed 16770791; PubMed 25007885; PubMed 19937601.